The following is an entry in ClinVar:

ClinVar aggregate classification (germline): Uncertain significance (1 of 4 stars; one submission).

Allele frequency attached by ClinVar (database versions not stated): gnomAD exomes 0.00001; gnomAD 0.00001; ExAC 0.00001; TOPMed 0.00002.
gnomAD v4.1: 6 of 1,610,658 alleles (0.00037%); highest among the groups gnomAD compares: South Asian, 0.0022%; no homozygotes.

Submission:

GeneDx
Classification: Uncertain significance. Last evaluated: 2017-09-13. Review status: criteria provided, single submitter. Criteria: GeneDx Variant Classification (06012015). Collection method: clinical testing. Allele origin: germline. Affected: yes.
Comment: The R413W variant in the PDE11A gene has not been reported previously as a pathogenic variant, nor as a benign variant, to our knowledge. The R413W variant is not observed at a significant frequency in large population cohorts (Lek et al., 2016; 1000 Genomes Consortium et al., 2015; Exome Variant Server). The R413W variant is a non-conservative amino acid substitution, which is likely to impact secondary protein structure as these residues differ in polarity, charge, size and/or other properties. This substitution occurs at a position that is conserved across species. In silico analysis predicts this variant is probably damaging to the protein structure/function. We interpret R413W as a variant of uncertain significance.

NM_016953.4(PDE11A):c.1237C>T (p.Arg413Trp)

Gene: PDE11A (phosphodiesterase 11A; minus strand). Cytogenetic location: 2q31.2.
Variant type: single nucleotide variant.
Coding change: c.1237C>T on transcript NM_016953.4 (MANE Select); coding-DNA position 1237, C replaced by T.
Protein change: p.Arg413Trp; replaces arginine 413 with tryptophan.
Molecular consequence: missense variant.
Genome position (GRCh38, 1-based): chr2:177,898,123, G>A on the plus strand (C>T on the coding strand, the complement: PDE11A is on the minus strand). VCF-style: chr2-177898123-G-A. GRCh37 (hg19) VCF-style: chr2-178762850-G-A.
Other names: c.487C>T, p.Arg163Trp (NM_001077197.2); c.163C>T, p.Arg55Trp (NM_001077358.2); short protein forms R163W, R413W, R55W.
Identifiers: ClinVar variation 451905 (VCV000451905.2), dbSNP rs779083062, ClinGen allele CA1982069.